The following is an entry in ClinVar:

ClinVar aggregate classification (germline): Uncertain significance (1 of 4 stars; one submission).

Allele frequency attached by ClinVar (database versions not stated): gnomAD exomes below 0.00001; ExAC 0.00002.
gnomAD v4.1: 4 of 1,613,774 alleles (0.00025%); highest among the groups gnomAD compares: Non-Finnish European, 0.00034%; no homozygotes.

Submission:

Labcorp Genetics (formerly Invitae), Labcorp
Classification: Uncertain significance. Last evaluated: 2023-08-30. Review status: criteria provided, single submitter. Criteria: Invitae Variant Classification Sherloc (09022015). Collection method: clinical testing. Allele origin: germline.
Comment: ClinVar contains an entry for this variant (Variation ID: 1980943). In summary, the available evidence is currently insufficient to determine the role of this variant in disease. Therefore, it has been classified as a Variant of Uncertain Significance. Algorithms developed to predict the effect of missense changes on protein structure and function output the following: SIFT: "Not Available"; PolyPhen-2: "Benign"; Align-GVGD: "Not Available". The valine amino acid residue is found in multiple mammalian species, which suggests that this missense change does not adversely affect protein function. This variant has not been reported in the literature in individuals affected with VPS13A-related conditions. This variant is present in population databases (rs763027189, gnomAD 0.003%). This sequence change replaces isoleucine, which is neutral and non-polar, with valine, which is neutral and non-polar, at codon 864 of the VPS13A protein (p.Ile864Val).

NM_033305.3(VPS13A):c.2590A>G (p.Ile864Val)

Gene: VPS13A (vacuolar protein sorting 13 homolog A; plus strand). Cytogenetic location: 9q21.2.
Variant type: single nucleotide variant.
Coding change: c.2590A>G on transcript NM_033305.3 (MANE Select); coding-DNA position 2590, A replaced by G.
Protein change: p.Ile864Val; replaces isoleucine 864 with valine.
Molecular consequence: missense variant.
Genome position (GRCh38, 1-based): chr9:77,275,575, A>G. VCF-style: chr9-77275575-A-G. GRCh37 (hg19) VCF-style: chr9-79890491-A-G.
Other names: c.2590A>G, p.Ile864Val (NM_001018037.2, NM_001018038.3, NM_015186.4); short protein forms I864V.
Identifiers: ClinVar variation 1980943 (VCV001980943.3), dbSNP rs763027189, ClinGen allele CA5091983.